The following is an entry in ClinVar:

ClinVar aggregate classification (germline): Uncertain significance (1 of 4 stars; one submission).

Conditions:
Hereditary cancer-predisposing syndrome. Also called: Hereditary neoplastic syndrome; Tumor predisposition; Neoplastic Syndromes, Hereditary; Hereditary Cancer Syndrome. Identifiers: Orphanet 140162, MedGen C0027672, MeSH D009386, MONDO:0015356.

gnomAD v4.1: 1 of 949,348 alleles (0.00011%); highest among the groups gnomAD compares: Non-Finnish European, 0.00016%; no homozygotes.

Submission:

Sema4
Classification: Uncertain significance for Hereditary cancer-predisposing syndrome. Last evaluated: 2021-09-25. Review status: criteria provided, single submitter. Criteria: Sema4 Curation Guidelines. Collection method: curation. Allele origin: germline.
Comment: The AXIN2 c.-116-13C>G variant has not been reported in the literature to our knowledge. It was not observed in the large and broad cohorts of the Genome Aggregation Database (PMID: 32461654). This variant has not been reported in ClinVar. In silico tools suggest that the variant does not disrupt splicing, though these predictions have not been confirmed by functional studies. The evidence is insufficient to meet ACMG/AMP criteria for classifying the variant as benign or pathogenic. Thus, the clinical significance of this variant is currently uncertain.

NM_004655.4(AXIN2):c.-116-13C>G

Gene: AXIN2 (axin 2; minus strand). Cytogenetic location: 17q24.1.
Variant type: single nucleotide variant.
Coding change: c.-116-13C>G on transcript NM_004655.4 (MANE Select); 13 bases into the intron before 116 bases upstream of the start codon, C replaced by G.
Molecular consequence: intron variant.
Genome position (GRCh38, 1-based): chr17:65,558,749, G>C on the plus strand (C>G on the coding strand, the complement: AXIN2 is on the minus strand). VCF-style: chr17-65558749-G-C. GRCh37 (hg19) VCF-style: chr17-63554867-G-C.
Other names: c.-116-13C>G (NM_001363813.1).
Identifiers: ClinVar variation 1692844 (VCV001692844.1), dbSNP rs1460068986, ClinGen allele CA2573154871.